The following is an entry in ClinVar:

NM_001330260.2(SCN8A):c.3765C>G (p.Gly1255=)

Gene: SCN8A (sodium voltage-gated channel alpha subunit 8; plus strand). Cytogenetic location: 12q13.13.
Variant type: single nucleotide variant.
Coding change: c.3765C>G on transcript NM_001330260.2 (MANE Select); coding-DNA position 3765, C replaced by G.
Protein change: p.Gly1255=; no amino-acid change (glycine 1255 retained).
Molecular consequence: synonymous variant.
Genome position (GRCh38, 1-based): chr12:51,774,308, C>G. VCF-style: chr12-51774308-C-G. GRCh37 (hg19) VCF-style: chr12-52168092-C-G.
Other names: c.3765C>G, p.Gly1255= (NM_001177984.3, NM_001369788.1, NM_014191.4).
Identifiers: ClinVar variation 4085624 (VCV004085624.8).
Genomic context (GRCh38, chr12:51,774,308, plus strand): 5'-TGACAAAGTCTTCACCTATATCTTCATCCTGGAGATGTTGCTCAAGTGGACAGCCTATGG[C>G]TTCGTCAAGTTCTTCACCAATGCCTGGTGTTGGCTGGACTTCCTCATTGTGGCTGTAGGT-3'
Protein context (NP_001317189.1, residues 1245-1265): LEMLLKWTAY[Gly1255=]FVKFFTNAWC

ClinVar aggregate classification (germline): Likely benign (1 of 4 stars; one submission).

Submission:

CeGaT Center for Human Genetics Tuebingen
Classification: Likely benign. Last evaluated: 2025-07-01. Review status: criteria provided, single submitter. Criteria: CeGaT Center For Human Genetics Tuebingen Variant Classification Criteria Version 2. Collection method: clinical testing. Allele origin: germline. Affected: yes. Observed: 1 variant allele.
Comment: SCN8A: PM2:Supporting, BP4, BP7